The following is an entry in ClinVar:

ClinVar aggregate classification (germline): Conflicting classifications of pathogenicity. Review status: criteria provided, conflicting classifications (1 of 4 stars). 4 submissions from 4 submitters: Uncertain significance (1); Likely benign (3). Last evaluated 2025-10-22.

Conditions:
Hereditary breast ovarian cancer syndrome. Also called: BRCA1- and BRCA2-Associated Hereditary Breast and Ovarian Cancer; Hereditary breast and/or ovarian cancer syndrome; Hereditary breast and ovarian cancer syndrome; Hereditary breast and ovarian cancer; Hereditary breast and ovarian cancer syndrome (HBOC); Breast and ovarian cancer. Identifiers: Orphanet 145, MedGen C0677776, MeSH D061325, MONDO:0003582. Disease mechanism: loss of function.
Hereditary cancer-predisposing syndrome. Also called: Hereditary neoplastic syndrome; Neoplastic Syndromes, Hereditary; Tumor predisposition; Hereditary Cancer Syndrome. Identifiers: Orphanet 140162, MedGen C0027672, MeSH D009386, MONDO:0015356.

Allele frequency attached by ClinVar (database versions not stated): gnomAD exomes below 0.00001; ExAC 0.00001; gnomAD 0.00001.
gnomAD v4.1: 1 of 1,613,808 alleles (0.000062%); highest among the groups gnomAD compares: African/African-American, 0.0013%; no homozygotes.

Submissions (4):

Labcorp Genetics (formerly Invitae), Labcorp
Classification: Likely benign for Hereditary breast ovarian cancer syndrome. Last evaluated: 2025-10-22. Review status: criteria provided, single submitter. Criteria: Invitae Variant Classification Sherloc (09022015). Collection method: clinical testing. Allele origin: germline.

German Consortium for Hereditary Breast and Ovarian Cancer, University Hospital Cologne
Classification: Likely benign for Hereditary breast ovarian cancer syndrome. Last evaluated: 2025-02-18. Review status: criteria provided, single submitter. Criteria: ClinGen BRCA1 V1.1.0. Collection method: curation. Allele origin: germline.
Comment: According to the ClinGen ENIGMA BRCA1 v1.1.0 criteria we chose this criterion: BP1 (strong benign): synonymous variant outside a (potentially) clinically important functional domain AND no splicing predicted (SpliceAI ≤0.1)

Ambry Genetics
Classification: Likely benign for Hereditary cancer-predisposing syndrome. Last evaluated: 2018-02-20. Review status: criteria provided, single submitter. Criteria: Ambry Variant Classification Scheme 2023. Collection method: clinical testing. Allele origin: germline.

GeneDx
Classification: Uncertain significance. Last evaluated: 2016-11-11. Review status: criteria provided, single submitter. Criteria: GeneDx Variant Classification (06012015). Collection method: clinical testing. Allele origin: germline. Affected: yes.
Comment: This variant is denoted BRCA1 c.486G>A at the DNA level. Although this variant is silent at the coding level, preserving a Valine at codon 162, it is predicted to result in the creation of a cryptic splice donor site. However, in the absence of RNA or functional studies, the actual effect of this variant is unknown. This variant has not, to our knowledge, been published in the literature as being pathogenic or benign. BRCA1 c.486G>A was not observed in approximately 6,500 individuals of European and African American ancestry in the NHLBI Exome Sequencing Project, indicating it is not a common benign variant in these populations.The nucleotide which is altered, a guanine (G) at base 486, is not conserved. Based on currently available information, it is unclear whether BRCA1 c.486G>A is a pathogenic or benign variant. We consider it to be a variant of uncertain significance.

NM_007294.4(BRCA1):c.486G>A (p.Val162=)

Gene: BRCA1 (BRCA1 DNA repair associated; minus strand). Cytogenetic location: 17q21.31.
Variant type: single nucleotide variant.
Coding change: c.486G>A on transcript NM_007294.4 (MANE Select); coding-DNA position 486, G replaced by A.
Protein change: p.Val162=; no amino-acid change (valine 162 retained).
Molecular consequence: synonymous variant. On other transcripts: intron variant (2).
Genome position (GRCh38, 1-based): chr17:43,099,836, C>T on the plus strand (G>A on the coding strand, the complement: BRCA1 is on the minus strand). VCF-style: chr17-43099836-C-T. GRCh37 (hg19) VCF-style: chr17-41251853-C-T.
Other names: c.486G>A, p.Val162= (NM_001407993.1, NM_001408403.1, NM_001408406.1 and 97 more transcripts); c.483G>A, p.Val161= (NM_001408392.1, NM_001408398.1, NM_001408399.1 and 65 more transcripts); c.477G>A, p.Val159= (NM_001408408.1, NM_001407646.1, NM_001407647.1); c.408G>A, p.Val136= (NM_001408409.1, NM_001408411.1, NM_001408412.1 and 12 more transcripts); c.345G>A, p.Val115= (NM_001408410.1, NM_001408452.1, NM_001408453.1 and 61 more transcripts); c.405G>A, p.Val135= (NM_001408413.1, NM_001408416.1, NM_001408475.1 and 6 more transcripts); c.351G>A, p.Val117= (NM_001408451.1); c.342G>A, p.Val114= (NM_001408462.1, NM_001408463.1, NM_001408464.1 and 35 more transcripts); and 5 more.
Identifiers: ClinVar variation 422724 (VCV000422724.18), dbSNP rs769213707, ClinGen allele CA056188.